The following is an entry in ClinVar:

NM_178452.6(DNAAF1):c.1847C>T (p.Ala616Val)

Gene: DNAAF1 (dynein axonemal assembly factor 1; plus strand). Cytogenetic location: 16q24.1.
Variant type: single nucleotide variant.
Coding change: c.1847C>T on transcript NM_178452.6 (MANE Select); coding-DNA position 1847, C replaced by T.
Protein change: p.Ala616Val; replaces alanine 616 with valine.
Molecular consequence: missense variant.
Genome position (GRCh38, 1-based): chr16:84,176,081, C>T. VCF-style: chr16-84176081-C-T. GRCh37 (hg19) VCF-style: chr16-84209687-C-T.
Other names: c.1139C>T, p.Ala380Val (NM_001318756.1); short protein forms A616V, A380V.
Identifiers: ClinVar variation 885467 (VCV000885467.7), dbSNP rs374900685, ClinGen allele CA8203046.

ClinVar aggregate classification (germline): Uncertain significance. Review status: criteria provided, multiple submitters, no conflicts (2 of 4 stars). 3 submissions from 3 submitters: Uncertain significance (3). Last evaluated 2025-08-20.

Conditions:
Primary ciliary dyskinesia. Also called: Ciliary dyskinesia. Identifiers: Orphanet 244, MedGen C0008780, MONDO:0016575, HP:0012265.
Primary ciliary dyskinesia 13. Also called: CILIARY DYSKINESIA, PRIMARY, 13, WITH OR WITHOUT SITUS INVERSUS. Identifiers: Orphanet 244, MedGen C2750790, MONDO:0013174, OMIM 613193.

Allele frequency attached by ClinVar (database versions not stated): TOPMed below 0.00001; gnomAD 0.00001 and 0.00002; gnomAD exomes 0.00004 and 0.00008; ExAC 0.00007; ESP Exome Variant Server 0.00008; 1000 Genomes Project 0.00020; 1000 Genomes Project 30x 0.00031.
gnomAD v4.1: 55 of 1,614,044 alleles (0.0034%); highest among the groups gnomAD compares: South Asian, 0.042%; no homozygotes.

Submissions (3):

Ambry Genetics
Classification: Uncertain significance for Primary ciliary dyskinesia. Last evaluated: 2025-08-20. Review status: criteria provided, single submitter. Criteria: Ambry Variant Classification Scheme 2023. Collection method: clinical testing. Allele origin: germline.

Labcorp Genetics (formerly Invitae), Labcorp
Classification: Uncertain significance for Primary ciliary dyskinesia. Last evaluated: 2022-06-29. Review status: criteria provided, single submitter. Criteria: Invitae Variant Classification Sherloc (09022015). Collection method: clinical testing. Allele origin: germline.
Comment: This sequence change replaces alanine, which is neutral and non-polar, with valine, which is neutral and non-polar, at codon 616 of the DNAAF1 protein (p.Ala616Val). This variant is present in population databases (rs374900685, gnomAD 0.05%). This variant has not been reported in the literature in individuals affected with DNAAF1-related conditions. ClinVar contains an entry for this variant (Variation ID: 885467). Algorithms developed to predict the effect of missense changes on protein structure and function output the following: SIFT: "Tolerated"; PolyPhen-2: "Benign"; Align-GVGD: "Class C0". The valine amino acid residue is found in multiple mammalian species, which suggests that this missense change does not adversely affect protein function. In summary, the available evidence is currently insufficient to determine the role of this variant in disease. Therefore, it has been classified as a Variant of Uncertain Significance.

Illumina Laboratory Services, Illumina
Classification: Uncertain significance for Primary ciliary dyskinesia 13. Last evaluated: 2018-01-13. Review status: criteria provided, single submitter. Criteria: ICSL Variant Classification Criteria 13 December 2019. Collection method: clinical testing. Allele origin: germline.